The following is an entry in ClinVar:

ClinVar aggregate classification (germline): Uncertain significance. Review status: criteria provided, multiple submitters, no conflicts (2 of 4 stars). 2 submissions from 2 submitters: Uncertain significance (2). Last evaluated 2024-12-21.

Conditions:
Cardiovascular phenotype. Identifiers: MedGen CN230736.
Catecholaminergic polymorphic ventricular tachycardia 1. Also called: VENTRICULAR TACHYCARDIA, STRESS-INDUCED POLYMORPHIC 1; VENTRICULAR TACHYCARDIA, CATECHOLAMINERGIC POLYMORPHIC, 1, WITH OR WITHOUT ATRIAL DYSFUNCTION AND/OR DILATED CARDIOMYOPATHY; RYR2-Related Catecholaminergic Polymorphic Ventricular Tachycardia. Identifiers: Orphanet 3286, MedGen C1631597, MONDO:0011484, OMIM 604772.

Allele frequency attached by ClinVar (database versions not stated): gnomAD exomes 0.00001; ExAC 0.00002.
gnomAD v4.1: 14 of 1,596,698 alleles (0.00088%); highest among the groups gnomAD compares: Non-Finnish European, 0.0012%; no homozygotes.

Submissions (2):

Ambry Genetics
Classification: Uncertain significance for Cardiovascular phenotype. Last evaluated: 2024-12-21. Review status: criteria provided, single submitter. Criteria: Ambry Variant Classification Scheme 2023. Collection method: clinical testing. Allele origin: germline.
Comment: The p.V222G variant (also known as c.665T>G), located in coding exon 8 of the TRDN gene, results from a T to G substitution at nucleotide position 665. The valine at codon 222 is replaced by glycine, an amino acid with dissimilar properties. This amino acid position is not well conserved in available vertebrate species, and glycine is the reference amino acid in other vertebrate species. In addition, this alteration is predicted to be tolerated by in silico analysis. Since supporting evidence is limited at this time, the clinical significance of this alteration remains unclear.

Labcorp Genetics (formerly Invitae), Labcorp
Classification: Uncertain significance for Catecholaminergic polymorphic ventricular tachycardia 1. Last evaluated: 2021-12-29. Review status: criteria provided, single submitter. Criteria: Invitae Variant Classification Sherloc (09022015). Collection method: clinical testing. Allele origin: germline.
Comment: This sequence change replaces valine, which is neutral and non-polar, with glycine, which is neutral and non-polar, at codon 222 of the TRDN protein (p.Val222Gly). This variant is present in population databases (rs758037868, gnomAD 0.002%). This variant has not been reported in the literature in individuals affected with TRDN-related conditions. ClinVar contains an entry for this variant (Variation ID: 463679). Algorithms developed to predict the effect of missense changes on protein structure and function are either unavailable or do not agree on the potential impact of this missense change (SIFT: "Tolerated"; PolyPhen-2: "Not Available"; Align-GVGD: "Class C0"). In summary, the available evidence is currently insufficient to determine the role of this variant in disease. Therefore, it has been classified as a Variant of Uncertain Significance.

NM_006073.4(TRDN):c.665T>G (p.Val222Gly)

Gene: TRDN (triadin; minus strand). Cytogenetic location: 6q22.31.
Variant type: single nucleotide variant.
Coding change: c.665T>G on transcript NM_006073.4 (MANE Select); coding-DNA position 665, T replaced by G.
Protein change: p.Val222Gly; replaces valine 222 with glycine.
Molecular consequence: missense variant.
Genome position (GRCh38, 1-based): chr6:123,503,847, A>C on the plus strand (T>G on the coding strand, the complement: TRDN is on the minus strand). VCF-style: chr6-123503847-A-C. GRCh37 (hg19) VCF-style: chr6-123824992-A-C.
Other names: c.665T>G, p.Val222Gly (NM_001251987.2, NM_001256020.2, NM_001256021.2); short protein forms V222G.
Identifiers: ClinVar variation 463679 (VCV000463679.8), dbSNP rs758037868, ClinGen allele CA3984313.